The following is an entry in ClinVar:

ClinVar aggregate classification (germline): Likely benign. Review status: criteria provided, multiple submitters, no conflicts (2 of 4 stars). 5 submissions from 5 submitters: Likely benign (5). Last evaluated 2025-12-17.

Conditions:
Hereditary cancer-predisposing syndrome. Also called: Hereditary neoplastic syndrome; Tumor predisposition; Neoplastic Syndromes, Hereditary; Hereditary Cancer Syndrome. Identifiers: Orphanet 140162, MedGen C0027672, MeSH D009386, MONDO:0015356.

Allele frequency attached by ClinVar (database versions not stated): TOPMed below 0.00001; ExAC 0.00001; gnomAD 0.00001; gnomAD exomes 0.00001.
gnomAD v4.1: 10 of 1,613,714 alleles (0.00062%); highest among the groups gnomAD compares: East Asian, 0.0022%; no homozygotes.

Submissions (5):

Labcorp Genetics (formerly Invitae), Labcorp
Classification: Likely benign. Last evaluated: 2025-12-17. Review status: criteria provided, single submitter. Criteria: Invitae Variant Classification Sherloc (09022015). Collection method: clinical testing. Allele origin: germline.

Mayo Clinic Laboratories, Mayo Clinic
Classification: Likely benign. Last evaluated: 2025-06-26. Review status: criteria provided, single submitter. Criteria: ACMG Guidelines, 2015. Collection method: clinical testing. Allele origin: germline. Observed: 1 variant allele.
Comment: BP4, BP7

CeGaT Center for Human Genetics Tuebingen
Classification: Likely benign. Last evaluated: 2023-03-01. Review status: criteria provided, single submitter. Criteria: CeGaT Center For Human Genetics Tuebingen Variant Classification Criteria Version 2. Collection method: clinical testing. Allele origin: germline. Affected: yes. Observed: 1 variant allele.
Comment: POLE: BP4, BP7

Genetic Services Laboratory, University of Chicago
Classification: Likely benign. Last evaluated: 2021-08-24. Review status: criteria provided, single submitter. Criteria: ACMG Guidelines, 2015. Collection method: clinical testing. Allele origin: germline. Affected: no.

Ambry Genetics
Classification: Likely benign for Hereditary cancer-predisposing syndrome. Last evaluated: 2016-06-09. Review status: criteria provided, single submitter. Criteria: Ambry Variant Classification Scheme 2023. Collection method: clinical testing. Allele origin: germline.

NM_006231.4(POLE):c.4659C>T (p.Phe1553=)

Gene: POLE (DNA polymerase epsilon, catalytic subunit; minus strand). Cytogenetic location: 12q24.33.
Variant type: single nucleotide variant.
Coding change: c.4659C>T on transcript NM_006231.4 (MANE Select); coding-DNA position 4659, C replaced by T.
Protein change: p.Phe1553=; no amino-acid change (phenylalanine 1553 retained).
Molecular consequence: synonymous variant.
Genome position (GRCh38, 1-based): chr12:132,642,889, G>A on the plus strand (C>T on the coding strand, the complement: POLE is on the minus strand). VCF-style: chr12-132642889-G-A. GRCh37 (hg19) VCF-style: chr12-133219475-G-A.
Other names: p.Phe1553=.
Identifiers: ClinVar variation 484446 (VCV000484446.43), dbSNP rs767021717, ClinGen allele CA6892752.